The following is an entry in ClinVar:

NM_152383.5(DIS3L2):c.2013G>A (p.Met671Ile)

Gene: DIS3L2 (DIS3 like 3'-5' exoribonuclease 2; plus strand). Cytogenetic location: 2q37.1.
Variant type: single nucleotide variant.
Coding change: c.2013G>A on transcript NM_152383.5 (MANE Select); coding-DNA position 2013, G replaced by A.
Protein change: p.Met671Ile; replaces methionine 671 with isoleucine.
Molecular consequence: missense variant. On other transcripts: non-coding transcript variant (2), intron variant (1).
Genome position (GRCh38, 1-based): chr2:232,333,842, G>A. VCF-style: chr2-232333842-G-A. GRCh37 (hg19) VCF-style: chr2-233198552-G-A.
Other names: c.1582-9503G>A (NM_001257281.2); short protein forms M671I.
Identifiers: ClinVar variation 568864 (VCV000568864.8), dbSNP rs528954242, ClinGen allele CA2164375.

ClinVar aggregate classification (germline): Uncertain significance. Review status: criteria provided, single submitter (1 of 4 stars). 2 submissions from 2 submitters: Uncertain significance (1). 1 of the submissions does not count toward it. Last evaluated 2023-10-04.

Conditions:
DIS3L2-related disorder. Also called: DIS3L2-related condition.
Perlman syndrome (PRLMNS). Identifiers: Orphanet 2849, MedGen C0796113, MONDO:0009965, OMIM 267000.

Allele frequency attached by ClinVar (database versions not stated): ExAC below 0.00001; TOPMed 0.00002; gnomAD 0.00003.
gnomAD v4.1: 5 of 1,610,186 alleles (0.00031%); highest among the groups gnomAD compares: Non-Finnish European, 0.00042%; no homozygotes.

Submissions (2):

Labcorp Genetics (formerly Invitae), Labcorp
Classification: Uncertain significance for Perlman syndrome. Last evaluated: 2023-10-04. Review status: criteria provided, single submitter. Criteria: Invitae Variant Classification Sherloc (09022015). Collection method: clinical testing. Allele origin: germline.
Comment: This sequence change replaces methionine, which is neutral and non-polar, with isoleucine, which is neutral and non-polar, at codon 671 of the DIS3L2 protein (p.Met671Ile). This variant is not present in population databases (gnomAD no frequency). This variant has not been reported in the literature in individuals affected with DIS3L2-related conditions. ClinVar contains an entry for this variant (Variation ID: 568864). An algorithm developed to predict the effect of missense changes on protein structure and function (PolyPhen-2) suggests that this variant is likely to be disruptive. RNA analysis performed to evaluate the impact of this missense change on mRNA splicing indicates it does not significantly alter splicing (Invitae). In summary, the available evidence is currently insufficient to determine the role of this variant in disease. Therefore, it has been classified as a Variant of Uncertain Significance.

PreventionGenetics, part of Exact Sciences
Classification: Uncertain significance for DIS3L2-related condition. Last evaluated: 2024-03-18. Review status: no assertion criteria provided. Collection method: clinical testing. Allele origin: germline. Not counted in ClinVar's aggregate classification.
Comment: The DIS3L2 c.2013G>A variant is predicted to result in the amino acid substitution p.Met671Ile. To our knowledge, this variant has not been reported in the literature or in a large population database, indicating this variant is rare. This variant is interpreted as variant of uncertain significance in Clinvar. At this time, the clinical significance of this variant is uncertain due to the absence of conclusive functional and genetic evidence.